The following is an entry in ClinVar:

ClinVar aggregate classification (germline): Benign/Likely benign. Review status: criteria provided, multiple submitters, no conflicts (2 of 4 stars). 2 submissions from 2 submitters: Benign (1); Likely benign (1). Last evaluated 2019-11-15.

Conditions:
Spinocerebellar ataxia type 28 (SCA28). Also called: Spinocerebellar Ataxia Type 28 (SCA28). Identifiers: Orphanet 101109, MedGen C1853249, MONDO:0012450, OMIM 610246.

Allele frequency attached by ClinVar (database versions not stated): gnomAD exomes 0.00036; ExAC 0.00079; gnomAD 0.00458 and 0.00494; TOPMed 0.00531; 1000 Genomes Project 30x 0.00547; 1000 Genomes Project 0.00619.
gnomAD v4.1: 949 of 688,992 alleles (0.14%); highest among the groups gnomAD compares: African/African-American, 1.6%; 10 homozygotes.

Submissions (2):

GeneDx
Classification: Likely benign. Last evaluated: 2019-11-15. Review status: criteria provided, single submitter. Criteria: GeneDx Variant Classification Process June 2021. Collection method: clinical testing. Allele origin: germline. Affected: yes.

Illumina Laboratory Services, Illumina
Classification: Benign for Spinocerebellar ataxia type 28. Last evaluated: 2018-01-13. Review status: criteria provided, single submitter. Criteria: ICSL Variant Classification Criteria 13 December 2019. Collection method: clinical testing. Allele origin: germline.
Comment: This variant was observed in the ICSL laboratory as part of a predisposition screen in an ostensibly healthy population. It had not been previously curated by ICSL or reported in the Human Gene Mutation Database (HGMD: prior to June 1st, 2018), and was therefore a candidate for classification through an automated scoring system. Utilizing variant allele frequency, disease prevalence and penetrance estimates, and inheritance mode, an automated score was calculated to assess if this variant is too frequent to cause the disease. Based on the score and internal cut-off values, a variant classified as benign is not then subjected to further curation. The score for this variant resulted in a classification of benign for this disease.

NM_006796.3(AFG3L2):c.-137G>C

Gene: AFG3L2 (AFG3 like matrix AAA peptidase subunit 2; minus strand). Cytogenetic location: 18p11.21.
Variant type: single nucleotide variant.
Coding change: c.-137G>C on transcript NM_006796.3 (MANE Select); 137 bases upstream of the start codon, G replaced by C.
Molecular consequence: 5 prime UTR variant.
Genome position (GRCh38, 1-based): chr18:12,377,219, C>G on the plus strand (G>C on the coding strand, the complement: AFG3L2 is on the minus strand). VCF-style: chr18-12377219-C-G. GRCh37 (hg19) VCF-style: chr18-12377218-C-G.
Identifiers: ClinVar variation 326121 (VCV000326121.8), dbSNP rs191000529, ClinGen allele CA8896873.
Genomic context (GRCh38, chr18:12,377,219, plus strand): 5'-GGCTCGGCTCGGGGAAAGGCCGCCAGGCAGCGAAGCGCGCCGGCGGCTCACGGAGGAGCC[C>G]AAGCTCTCAACGCGGCGTCTCCTGCCGCCAGCCCCGCCCCGGCGCGCTGACGTCGGCGTC-3'